The following is an entry in ClinVar:

NM_000238.4(KCNH2):c.2894del (p.Gly965fs)

Gene: KCNH2 (potassium voltage-gated channel subfamily H member 2; minus strand). Cytogenetic location: 7q36.1.
Variant type: Deletion.
Coding change: c.2894del on transcript NM_000238.4 (MANE Select); coding-DNA position 2894, one base deleted (G; older notation c.2894delG).
Protein change: p.Gly965fs; shifts the reading frame from glycine 965.
Molecular consequence: frameshift variant.
Genome position (GRCh38, 1-based): chr7:150,947,677, C deleted on the plus strand (G on the coding strand, the reverse complement: KCNH2 is on the minus strand); the first of 2 consecutive C bases (chr7:150,947,677-150,947,678); deleting either gives the same sequence. VCF-style (leftmost placement, unchanged base first): chr7-150947676-TC-T. GRCh37 (hg19) VCF-style: chr7-150644764-TC-T.
Other names: c.2894delG (NM_000238.3); c.2605delG, p.Gly869Glufs (NM_001406753.1); c.1874del, p.Gly625fs (NM_172057.3); short protein forms G625fs, G965fs.
Identifiers: ClinVar variation 1797337 (VCV001797337.7), dbSNP rs2486006893, ClinGen allele CA2580077739.

ClinVar aggregate classification (germline): Pathogenic. Review status: criteria provided, multiple submitters, no conflicts (2 of 4 stars). 2 submissions from 2 submitters: Pathogenic (2). Last evaluated 2025-11-22.

Conditions:
Cardiovascular phenotype. Identifiers: MedGen CN230736.
Long QT syndrome (LQTS). Identifiers: MedGen C0023976, MeSH D008133, MONDO:0002442. Disease mechanism: loss of function. Inheritance: Various modes of inheritance.

Submissions (2):

Labcorp Genetics (formerly Invitae), Labcorp
Classification: Pathogenic for Long QT syndrome. Last evaluated: 2025-11-22. Review status: criteria provided, single submitter. Criteria: Invitae Variant Classification Sherloc (09022015). Collection method: clinical testing. Allele origin: germline.
Comment: This sequence change creates a premature translational stop signal (p.Gly965Glufs*9) in the KCNH2 gene. It is expected to result in an absent or disrupted protein product. Loss-of-function variants in KCNH2 are known to be pathogenic (PMID: 10973849, 19862833). This variant is not present in population databases (gnomAD no frequency). This premature translational stop signal has been observed in individual(s) with clinical features of long QT syndrome (PMID: 19716085). ClinVar contains an entry for this variant (Variation ID: 1797337). For these reasons, this variant has been classified as Pathogenic.

Ambry Genetics
Classification: Pathogenic for Cardiovascular phenotype. Last evaluated: 2018-06-07. Review status: criteria provided, single submitter. Criteria: Ambry Variant Classification Scheme 2023. Collection method: clinical testing. Allele origin: germline.
Comment: The c.2894delG pathogenic mutation, located in coding exon 12 of the KCNH2 gene, results from a deletion of one nucleotide at nucleotide position 2894, causing a translational frameshift with a predicted alternate stop codon (p.G965Efs*9). This alteration is expected to result in loss of function by premature protein truncation or nonsense-mediated mRNA decay. As such, this alteration is interpreted as a disease-causing mutation.

Literature cited by the submitters: PubMed 10973849 (cited by Labcorp Genetics (formerly Invitae), Labcorp); PubMed 19862833 (cited by Labcorp Genetics (formerly Invitae), Labcorp); PubMed 19716085 (cited by Labcorp Genetics (formerly Invitae), Labcorp).